The following is an entry in ClinVar:

NM_002769.5(PRSS1):c.109T>C (p.Tyr37His)

Genes: TRB (T cell receptor beta locus; plus strand), PRSS1 (serine protease 1; plus strand). Cytogenetic location: 7q34.
Variant type: single nucleotide variant.
Coding change: c.109T>C on transcript NM_002769.5 (MANE Select); coding-DNA position 109, T replaced by C.
Protein change: p.Tyr37His; replaces tyrosine 37 with histidine.
Molecular consequence: missense variant. On other transcripts: non-coding transcript variant (2).
Genome position (GRCh38, 1-based): chr7:142,750,623, T>C. VCF-style: chr7-142750623-T-C. GRCh37 (hg19) VCF-style: chr7-142458474-T-C.
Other names: short protein forms Y37H.
Identifiers: ClinVar variation 3426295 (VCV003426295.1).

ClinVar aggregate classification (germline): Uncertain significance (1 of 4 stars; one submission).

Conditions:
Hereditary pancreatitis (PCTT). Also called: Hereditary chronic pancreatitis; PRSS1-Related Hereditary Pancreatitis. Identifiers: Orphanet 676, MedGen C0238339, MONDO:0008185, OMIM 167800.

Submission:

Ambry Genetics
Classification: Uncertain significance for Hereditary pancreatitis. Last evaluated: 2024-11-09. Review status: criteria provided, single submitter. Criteria: Ambry Variant Classification Scheme 2023. Collection method: clinical testing. Allele origin: germline.
Comment: The p.Y37H variant (also known as c.109T>C), located in coding exon 2 of the PRSS1 gene, results from a T to C substitution at nucleotide position 109. The tyrosine at codon 37 is replaced by histidine, an amino acid with similar properties. This amino acid position is conserved. In addition, the in silico prediction for this alteration is inconclusive. Based on the available evidence, the clinical significance of this variant remains unclear.